The following is an entry in ClinVar:

ClinVar aggregate classification (germline): Uncertain significance (1 of 4 stars; one submission).

Conditions:
Muscular dystrophy-dystroglycanopathy (congenital with brain and eye anomalies), type a, 10 (MDDGA10). Also called: WALKER-WARBURG SYNDROME OR MUSCLE-EYE-BRAIN DISEASE, TMEM5-RELATED. Identifiers: Orphanet 899, MedGen C3554381, MONDO:0014022, OMIM 615041.

Allele frequency attached by ClinVar (database versions not stated): TOPMed 0.00001; gnomAD 0.00003; gnomAD exomes 0.00003; ExAC 0.00007.
gnomAD v4.1: 46 of 1,597,304 alleles (0.0029%); highest among the groups gnomAD compares: South Asian, 0.049%; no homozygotes.

Submission:

Neuberg Centre For Genomic Medicine, NCGM
Classification: Uncertain significance for Muscular dystrophy-dystroglycanopathy (congenital with brain and eye anomalies), type a, 10. Review status: criteria provided, single submitter. Criteria: ACMG Guidelines, 2015. Collection method: clinical testing. Allele origin: germline. Inheritance: Autosomal recessive inheritance. Affected: yes.
Comment: The missense c.760G>A(p.Val254Met) variant in RXYLT1 gene has not been reported previously as a pathogenic variant nor as a benign variant, to our knowledge. The variant has been reported with allele frequency of 0.004% in gnomAD Exomes and is absent in 1000 Genomes database. This variant has not been reported to the ClinVar database. The amino acid change p.Val254Met in RXYLT1 is predicted as conserved by GERP++ and PhyloP across 100 vertebrates. The amino acid Val at position 254 is changed to a Met changing protein sequence and it might alter its composition and physico-chemical properties. For these reasons, this variant has been classified as Variant of Uncertain Significance (VUS).

NM_014254.3(RXYLT1):c.760G>A (p.Val254Met)

Gene: RXYLT1 (ribitol xylosyltransferase 1; plus strand). Cytogenetic location: 12q14.2.
Variant type: single nucleotide variant.
Coding change: c.760G>A on transcript NM_014254.3 (MANE Select); coding-DNA position 760, G replaced by A.
Protein change: p.Val254Met; replaces valine 254 with methionine.
Molecular consequence: missense variant. On other transcripts: 5 prime UTR variant (1).
Genome position (GRCh38, 1-based): chr12:63,805,250, G>A. VCF-style: chr12-63805250-G-A. GRCh37 (hg19) VCF-style: chr12-64199030-G-A.
Other names: c.-21G>A (NM_001278237.2); short protein forms V254M.
Identifiers: ClinVar variation 3242184 (VCV003242184.1), dbSNP rs752782101.